The following is an entry in ClinVar:

ClinVar aggregate classification (germline): Uncertain significance. Review status: criteria provided, multiple submitters, no conflicts (2 of 4 stars). 2 submissions from 2 submitters: Uncertain significance (2). Last evaluated 2023-12-20.

Conditions:
Inborn genetic diseases. Identifiers: MedGen C0950123, MeSH D030342.

Allele frequency attached by ClinVar (database versions not stated): ExAC 0.00001; gnomAD exomes below 0.00001.

Submissions (2):

Ambry Genetics
Classification: Uncertain significance for Inborn genetic diseases. Last evaluated: 2023-12-20. Review status: criteria provided, single submitter. Criteria: Ambry Variant Classification Scheme 2023. Collection method: clinical testing. Allele origin: germline.

GeneDx
Classification: Uncertain significance. Last evaluated: 2019-07-26. Review status: criteria provided, single submitter. Criteria: GeneDx Variant Classification Process June 2021. Collection method: clinical testing. Allele origin: germline. Affected: yes.
Comment: Not observed at a significant frequency in large population cohorts (Lek et al., 2016); In silico analysis, which includes protein predictors and evolutionary conservation, supports that this variant does not alter protein structure/function; Has not been previously published as pathogenic or benign to our knowledge

NM_022124.6(CDH23):c.1648A>C (p.Asn550His)

Gene: CDH23 (cadherin related 23; plus strand). Cytogenetic location: 10q22.1.
Variant type: single nucleotide variant.
Coding change: c.1648A>C on transcript NM_022124.6 (MANE Select); coding-DNA position 1648, A replaced by C.
Protein change: p.Asn550His; replaces asparagine 550 with histidine.
Molecular consequence: missense variant.
Genome position (GRCh38, 1-based): chr10:71,677,589, A>C. VCF-style: chr10-71677589-A-C. GRCh37 (hg19) VCF-style: chr10-73437346-A-C.
Other names: c.1648A>C, p.Asn550His (NM_001171930.2, NM_001171931.2); short protein forms N550H.
Identifiers: ClinVar variation 1307244 (VCV001307244.3), dbSNP rs751526952, ClinGen allele CA5543915.